The following is an entry in ClinVar:

NM_001267550.2(TTN):c.82792G>A (p.Gly27598Ser)

Genes: TTN (titin; minus strand), TTN-AS1 (TTN antisense RNA 1; plus strand). Cytogenetic location: 2q31.2.
Variant type: single nucleotide variant.
Coding change: c.82792G>A on transcript NM_001267550.2 (MANE Select); coding-DNA position 82792, G replaced by A.
Protein change: p.Gly27598Ser; replaces glycine 27598 with serine.
Molecular consequence: missense variant.
Genome position (GRCh38, 1-based): chr2:178,563,340, C>T on the plus strand (G>A on the coding strand, the complement: TTN is on the minus strand). VCF-style: chr2-178563340-C-T. GRCh37 (hg19) VCF-style: chr2-179428067-C-T.
Other names: p.Gly25030Ser; c.77869G>A, p.Gly25957Ser (NM_001256850.1); c.55597G>A, p.Gly18533Ser (NM_003319.4); c.75088G>A, p.Gly25030Ser (NM_133378.4); c.55972G>A, p.Gly18658Ser (NM_133432.3); c.56173G>A, p.Gly18725Ser (NM_133437.4); short protein forms G18533S, G18658S, G18725S, G25030S, G25957S, G27598S.
Identifiers: ClinVar variation 1329204 (VCV001329204.4), dbSNP rs985566463, ClinGen allele CA60986758.
Genomic context (GRCh38, chr2:178,563,340, plus strand): 5'-TCCATTCATCCGCAGCAGCTTCTTTGACCTCTACAACATAGCCTTTAACAGGTGCGCCAC[C>T]ATCATAAATTGGCTTACTCCATGCCAGGGAGACAGAAGATCTGGAAGTGTCCGTCACTTT-3'
Protein context (NP_001254479.2, residues 27588-27608): SLAWSKPIYD[Gly27598Ser]GAPVKGYVVE

ClinVar aggregate classification (germline): Uncertain significance. Review status: criteria provided, multiple submitters, no conflicts (2 of 4 stars). 3 submissions from 3 submitters: Uncertain significance (3). Last evaluated 2026-02-09.

Conditions:
Cardiomyopathy (CMYO). Also called: Cardiomyopathies. Identifiers: Orphanet 167848, MedGen C0878544, MONDO:0004994, HP:0001638. Inheritance: Various modes of inheritance.
TTN-related disorder. Also called: TTN-related disorders; TTN-related condition; TTN-related disease.

Allele frequency attached by ClinVar (database versions not stated): gnomAD exomes below 0.00001; gnomAD 0.00001; TOPMed 0.00002.
gnomAD v4.1: 5 of 1,613,486 alleles (0.00031%); highest among the groups gnomAD compares: African/African-American, 0.0067%; no homozygotes.

Submissions (3):

PreventionGenetics, part of Exact Sciences
Classification: Uncertain significance for TTN-related condition. Last evaluated: 2026-02-09. Review status: criteria provided, single submitter. Criteria: ACMG Guidelines, 2015. Collection method: clinical testing. Allele origin: germline.
Comment: The TTN c.82792G>A variant is predicted to result in the amino acid substitution p.Gly27598Ser. To our knowledge, this variant has not been reported in the literature. This variant is reported in 0.0083% of alleles in individuals of African descent in gnomAD. At this time, the clinical significance of this variant is uncertain due to the absence of conclusive functional and genetic evidence.

Mayo Clinic Laboratories, Mayo Clinic
Classification: Uncertain significance. Last evaluated: 2023-06-08. Review status: criteria provided, single submitter. Criteria: ACMG Guidelines, 2015. Collection method: clinical testing. Allele origin: germline. Observed: 1 variant allele.

CHEO Genetics Diagnostic Laboratory, Children's Hospital of Eastern Ontario
Classification: Uncertain significance for Cardiomyopathy. Last evaluated: 2020-12-11. Review status: criteria provided, single submitter. Criteria: ACMG Guidelines, 2015. Collection method: clinical testing. Allele origin: germline.